The following is an entry in ClinVar:

ClinVar aggregate classification (germline): Uncertain significance (1 of 4 stars; one submission).

gnomAD v4.1: 2 of 1,555,452 alleles (0.00013%); no homozygotes.

Submission:

GeneDx
Classification: Uncertain significance. Last evaluated: 2024-06-24. Review status: criteria provided, single submitter. Criteria: GeneDx Variant Classification Process June 2021. Collection method: clinical testing. Allele origin: germline. Affected: yes.
Comment: Not observed at significant frequency in large population cohorts (gnomAD); In silico analysis indicates that this missense variant does not alter protein structure/function; Has not been previously published as pathogenic or benign to our knowledge

NM_001002295.2(GATA3):c.8T>C (p.Val3Ala)

Gene: GATA3 (GATA binding protein 3; plus strand). Cytogenetic location: 10p14.
Variant type: single nucleotide variant.
Coding change: c.8T>C on transcript NM_001002295.2 (MANE Select); coding-DNA position 8, T replaced by C.
Protein change: p.Val3Ala; replaces valine 3 with alanine.
Molecular consequence: missense variant.
Genome position (GRCh38, 1-based): chr10:8,055,663, T>C. VCF-style: chr10-8055663-T-C. GRCh37 (hg19) VCF-style: chr10-8097626-T-C.
Other names: c.8T>C, p.Val3Ala (NM_002051.3); short protein forms V3A.
Identifiers: ClinVar variation 3392741 (VCV003392741.1).